The following is an entry in ClinVar:

NM_018076.5(ODAD2):c.2999T>C (p.Met1000Thr)

Gene: ODAD2 (outer dynein arm docking complex subunit 2; minus strand). Cytogenetic location: 10p12.1.
Variant type: single nucleotide variant.
Coding change: c.2999T>C on transcript NM_018076.5 (MANE Select); coding-DNA position 2999, T replaced by C.
Protein change: p.Met1000Thr; replaces methionine 1000 with threonine.
Molecular consequence: missense variant.
Genome position (GRCh38, 1-based): chr10:27,860,647, A>G on the plus strand (T>C on the coding strand, the complement: ODAD2 is on the minus strand). VCF-style: chr10-27860647-A-G. GRCh37 (hg19) VCF-style: chr10-28149576-A-G.
Other names: c.2999T>C, p.Met1000Thr (NM_001290020.2); c.1574T>C, p.Met525Thr (NM_001290021.2); c.2075T>C, p.Met692Thr (NM_001312689.2); short protein forms M525T, M692T, M1000T.
Identifiers: ClinVar variation 4701726 (VCV004701726.1).

ClinVar aggregate classification (germline): Uncertain significance (1 of 4 stars; one submission).

Conditions:
Primary ciliary dyskinesia 23 (CILD23). Also called: CILIARY DYSKINESIA, PRIMARY, 23, WITH OR WITHOUT SITUS INVERSUS. Identifiers: Orphanet 244, MedGen C3809548, MONDO:0014193, OMIM 615451.

Submission:

Labcorp Genetics (formerly Invitae), Labcorp
Classification: Uncertain significance for Primary ciliary dyskinesia 23. Last evaluated: 2025-08-26. Review status: criteria provided, single submitter. Criteria: Invitae Variant Classification Sherloc (09022015). Collection method: clinical testing. Allele origin: germline.
Comment: This sequence change replaces methionine, which is neutral and non-polar, with threonine, which is neutral and polar, at codon 1000 of the ARMC4 protein (p.Met1000Thr). This variant is present in population databases (rs201908864, gnomAD 0.007%). This variant has not been reported in the literature in individuals affected with ARMC4-related conditions. An algorithm developed to predict the effect of missense changes on protein structure and function (PolyPhen-2) suggests that this variant is likely to be disruptive. In summary, the available evidence is currently insufficient to determine the role of this variant in disease. Therefore, it has been classified as a Variant of Uncertain Significance.